The following is an entry in ClinVar:

NM_006206.6(PDGFRA):c.2689C>T (p.Pro897Ser)

Gene: PDGFRA (platelet derived growth factor receptor alpha; plus strand). Cytogenetic location: 4q12.
Variant type: single nucleotide variant.
Coding change: c.2689C>T on transcript NM_006206.6 (MANE Select); coding-DNA position 2689, C replaced by T.
Protein change: p.Pro897Ser; replaces proline 897 with serine.
Molecular consequence: missense variant.
Genome position (GRCh38, 1-based): chr4:54,288,813, C>T. VCF-style: chr4-54288813-C-T. GRCh37 (hg19) VCF-style: chr4-55154980-C-T.
Other names: c.2764C>T, p.Pro922Ser (NM_001347828.2); c.2689C>T, p.Pro897Ser (NM_001347829.2); c.2728C>T, p.Pro910Ser (NM_001347830.2); short protein forms P897S, P922S, P910S.
Identifiers: ClinVar variation 528530 (VCV000528530.13), dbSNP rs1435679141, ClinGen allele CA356895427.
Genomic context (GRCh38, chr4:54,288,813, plus strand): 5'-GCACTGAGCGTTTGTTAGTCCTGGTGTTTTATTGTTTGGCTTTTAGGTGGCACCCCTTAC[C>T]CCGGCATGATGGTGGATTCTACTTTCTACAATAAGATCAAGAGTGGGTACCGGATGGCCA-3'
Protein context (NP_006197.1, residues 887-907): EIFSLGGTPY[Pro897Ser]GMMVDSTFYN

ClinVar aggregate classification (germline): Uncertain significance. Review status: criteria provided, multiple submitters, no conflicts (2 of 4 stars). 2 submissions from 2 submitters: Uncertain significance (2). Last evaluated 2025-11-30.

Conditions:
Polyps, multiple and recurrent inflammatory fibroid, gastrointestinal. Identifiers: MedGen C5193005, MONDO:0008285, OMIM 175510.
Gastrointestinal stromal tumor. Also called: Gastrointestinal stroma tumor; Gastrointestinal stromal tumor, somatic. Identifiers: Orphanet 44890, MedGen C0238198, MeSH D046152, MONDO:0011719, OMIM 606764, HP:0100723.

Allele frequency attached by ClinVar (database versions not stated): gnomAD exomes below 0.00001; TOPMed below 0.00001; gnomAD 0.00001.
gnomAD v4.1: 4 of 1,611,500 alleles (0.00025%); highest among the groups gnomAD compares: African/African-American, 0.0013%; no homozygotes.

Submissions (2):

Labcorp Genetics (formerly Invitae), Labcorp
Classification: Uncertain significance for Gastrointestinal stromal tumor. Last evaluated: 2025-11-30. Review status: criteria provided, single submitter. Criteria: Invitae Variant Classification Sherloc (09022015). Collection method: clinical testing. Allele origin: germline.
Comment: This sequence change replaces proline, which is neutral and non-polar, with serine, which is neutral and polar, at codon 897 of the PDGFRA protein (p.Pro897Ser). This variant is not present in population databases (gnomAD no frequency). This variant has not been reported in the literature in individuals affected with PDGFRA-related conditions. ClinVar contains an entry for this variant (Variation ID: 528530). Invitae Evidence Modeling of protein sequence and biophysical properties (such as structural, functional, and spatial information, amino acid conservation, physicochemical variation, residue mobility, and thermodynamic stability) has been performed for this missense variant. However, the output from this modeling did not meet the statistical confidence thresholds required to predict the impact of this variant on PDGFRA protein function. In summary, the available evidence is currently insufficient to determine the role of this variant in disease. Therefore, it has been classified as a Variant of Uncertain Significance.

Baylor Genetics
Classification: Uncertain significance for Polyps, multiple and recurrent inflammatory fibroid, gastrointestinal. Last evaluated: 2024-01-22. Review status: criteria provided, single submitter. Criteria: ACMG Guidelines, 2015. Collection method: clinical testing. Allele origin: unknown.